The following is an entry in ClinVar:

ClinVar aggregate classification (germline): Likely benign. Review status: criteria provided, single submitter (1 of 4 stars). 2 submissions from 2 submitters: Likely benign (1). 1 of the submissions does not count toward it. Last evaluated 2025-11-27.

Conditions:
FGFR3-related disorder. Also called: FGFR3-related disorders.

Allele frequency attached by ClinVar (database versions not stated): ExAC 0.00008; ESP Exome Variant Server 0.00015; TOPMed 0.00015; gnomAD 0.00013 and 0.00014; gnomAD exomes 0.00015.

Submissions (2):

Labcorp Genetics (formerly Invitae), Labcorp
Classification: Likely benign. Last evaluated: 2025-11-27. Review status: criteria provided, single submitter. Criteria: Invitae Variant Classification Sherloc (09022015). Collection method: clinical testing. Allele origin: germline.

PreventionGenetics, part of Exact Sciences
Classification: Likely benign for FGFR3-related condition. Last evaluated: 2022-02-14. Review status: no assertion criteria provided. Collection method: clinical testing. Allele origin: germline. Not counted in ClinVar's aggregate classification.
Comment: This variant is classified as likely benign based on ACMG/AMP sequence variant interpretation guidelines (Richards et al. 2015 PMID: 25741868, with internal and published modifications).

NM_000142.5(FGFR3):c.1706C>T (p.Ala569Val)

Gene: FGFR3 (fibroblast growth factor receptor 3; plus strand). Cytogenetic location: 4p16.3.
Variant type: single nucleotide variant.
Coding change: c.1706C>T on transcript NM_000142.5 (MANE Select); coding-DNA position 1706, C replaced by T.
Protein change: p.Ala569Val; replaces alanine 569 with valine.
Molecular consequence: missense variant. On other transcripts: non-coding transcript variant (1).
Genome position (GRCh38, 1-based): chr4:1,805,810, C>T. VCF-style: chr4-1805810-C-T. GRCh37 (hg19) VCF-style: chr4-1807537-C-T.
Other names: c.1712C>T, p.Ala571Val (NM_001163213.2); c.1709C>T, p.Ala570Val (NM_001354809.2, NM_001354810.2); c.1370C>T, p.Ala457Val (NM_022965.4); short protein forms A457V, A570V, A571V, A569V.
Identifiers: ClinVar variation 800262 (VCV000800262.9), dbSNP rs146672976, ClinGen allele CA2810547.